The following is an entry in ClinVar:

ClinVar aggregate classification (germline): Uncertain significance. Review status: criteria provided, multiple submitters, no conflicts (2 of 4 stars). 2 submissions from 2 submitters: Uncertain significance (2). Last evaluated 2025-08-14.

Conditions:
Hereditary spastic paraplegia 48. Also called: Spastic paraplegia 48; SPASTIC PARAPLEGIA 48, AUTOSOMAL RECESSIVE. Identifiers: Orphanet 306511, MedGen C3150901, MONDO:0013342, OMIM 613647.
Inborn genetic diseases. Identifiers: MedGen C0950123, MeSH D030342.

Allele frequency attached by ClinVar (database versions not stated): gnomAD 0.00002; gnomAD exomes 0.00002 and 0.00005; TOPMed 0.00002; ExAC 0.00013.
gnomAD v4.1: 29 of 1,568,904 alleles (0.0018%); highest among the groups gnomAD compares: Admixed American, 0.011%; no homozygotes.

Submissions (2):

Ambry Genetics
Classification: Uncertain significance for Inborn genetic diseases. Last evaluated: 2025-08-14. Review status: criteria provided, single submitter. Criteria: Ambry Variant Classification Scheme 2023. Collection method: clinical testing. Allele origin: germline.

Labcorp Genetics (formerly Invitae), Labcorp
Classification: Uncertain significance for Hereditary spastic paraplegia 48. Last evaluated: 2021-08-31. Review status: criteria provided, single submitter. Criteria: Invitae Variant Classification Sherloc (09022015). Collection method: clinical testing. Allele origin: germline.
Comment: This sequence change replaces proline with leucine at codon 361 of the AP5Z1 protein (p.Pro361Leu). The proline residue is moderately conserved and there is a moderate physicochemical difference between proline and leucine. This variant is present in population databases (rs772283887, ExAC 0.05%). This variant has not been reported in the literature in individuals affected with AP5Z1-related conditions. Algorithms developed to predict the effect of missense changes on protein structure and function output the following: SIFT: "Tolerated"; PolyPhen-2: "Benign"; Align-GVGD: "Class C0". The leucine amino acid residue is found in multiple mammalian species, which suggests that this missense change does not adversely affect protein function. In summary, the available evidence is currently insufficient to determine the role of this variant in disease. Therefore, it has been classified as a Variant of Uncertain Significance.

NM_014855.3(AP5Z1):c.1082C>T (p.Pro361Leu)

Gene: AP5Z1 (adaptor related protein complex 5 subunit zeta 1; plus strand). Cytogenetic location: 7p22.1.
Variant type: single nucleotide variant.
Coding change: c.1082C>T on transcript NM_014855.3 (MANE Select); coding-DNA position 1082, C replaced by T.
Protein change: p.Pro361Leu; replaces proline 361 with leucine.
Molecular consequence: missense variant. On other transcripts: non-coding transcript variant (1).
Genome position (GRCh38, 1-based): chr7:4,785,634, C>T. VCF-style: chr7-4785634-C-T. GRCh37 (hg19) VCF-style: chr7-4825265-C-T.
Other names: c.614C>T, p.Pro205Leu (NM_001364858.1); short protein forms P205L, P361L.
Identifiers: ClinVar variation 841113 (VCV000841113.8), dbSNP rs772283887, ClinGen allele CA4137591.